The following is an entry in ClinVar:

ClinVar aggregate classification (germline): Uncertain significance. Review status: criteria provided, multiple submitters, no conflicts (2 of 4 stars). 6 submissions from 5 submitters: Uncertain significance (5). 1 of the submissions does not count toward it. Last evaluated 2025-10-30.

Conditions:
Ehlers-Danlos syndrome, classic type, 1 (EDSCL1). Also called: EHLERS-DANLOS SYNDROME, GRAVIS TYPE; EHLERS-DANLOS SYNDROME, SEVERE CLASSIC TYPE; Ehlers-Danlos Syndrome, Classic Type, COL5A1-Related; EDS I; Ehlers-Danlos syndrome, type 1. Identifiers: MedGen C0268335, MONDO:0019567, OMIM 130000.
Familial thoracic aortic aneurysm and aortic dissection (TAAD). Also called: Thoracic aortic aneurysms and dissections. Identifiers: Orphanet 91387, MedGen C4707243, MONDO:0019625.
Cardiac arrhythmia. Also called: Cardiac rhythm disease; Arrhythmia. Identifiers: MedGen C0003811, MONDO:0007263, HP:0011675.
Wolff-Parkinson-White pattern. Also called: Auriculoventricular accessory pathway syndrome; False bundle branch block syndrome; Anomalous ventricular excitation syndrome; WPW SYNDROME. Identifiers: MedGen C0043202, MONDO:0008685, OMIM 194200, HP:0001716.
Hyperextensible hand joints. Identifiers: MedGen C1856877, HP:0005639.
Arthralgia. Also called: Joint pain; pain in joint; Arthralgias. Identifiers: MedGen C0003862, HP:0002829.
Joint dislocation. Also called: Dislocation of joint. Identifiers: MedGen C0012691, HP:0001373.
Joint laxity. Identifiers: MedGen C0086437.

Allele frequency attached by ClinVar (database versions not stated): TOPMed 0.00001; gnomAD exomes 0.00001; gnomAD 0.00001.
gnomAD v4.1: 15 of 1,614,108 alleles (0.00093%); highest among the groups gnomAD compares: East Asian, 0.0022%; no homozygotes.

Submissions (6):

Mayo Clinic Laboratories, Mayo Clinic
Classification: Uncertain significance. Last evaluated: 2025-10-30. Review status: criteria provided, single submitter. Criteria: ACMG Guidelines, 2015. Collection method: clinical testing. Allele origin: germline. Observed: 1 variant allele.

Ambry Genetics
Classification: Uncertain significance for Familial thoracic aortic aneurysm and aortic dissection. Last evaluated: 2025-04-04. Review status: criteria provided, single submitter. Criteria: Ambry Variant Classification Scheme 2023. Collection method: clinical testing. Allele origin: germline.
Comment: The c.1389G>A variant (also known as p.P463P), located in coding exon 9 of the COL5A1 gene, results from a G to A substitution at nucleotide position 1389. This nucleotide substitution does not change the proline at codon 463. However, this change occurs in the last base pair of coding exon 9, which makes it likely to have some effect on normal mRNA splicing. This nucleotide position is poorly conserved in available vertebrate species. In silico splice site analysis predicts that this alteration may weaken the native splice donor site. Based on the available evidence, the clinical significance of this variant remains unclear.

Labcorp Genetics (formerly Invitae), Labcorp
Classification: Uncertain significance for Ehlers-Danlos syndrome, classic type, 1. Last evaluated: 2024-11-19. Review status: criteria provided, single submitter. Criteria: Invitae Variant Classification Sherloc (09022015). Collection method: clinical testing. Allele origin: germline.
Comment: This sequence change affects codon 463 of the COL5A1 mRNA. It is a 'silent' change, meaning that it does not change the encoded amino acid sequence of the COL5A1 protein. This variant also falls at the last nucleotide of exon 9, which is part of the consensus splice site for this exon. This variant is present in population databases (no rsID available, gnomAD 0.007%). This variant has been observed in individual(s) with clinical features of COL5A-related condition (PMID: 28914264). ClinVar contains an entry for this variant (Variation ID: 373924). Variants that disrupt the consensus splice site are a relatively common cause of aberrant splicing (PMID: 17576681, 9536098). Algorithms developed to predict the effect of sequence changes on RNA splicing suggest that this variant may disrupt the consensus splice site. In summary, the available evidence is currently insufficient to determine the role of this variant in disease. Therefore, it has been classified as a Variant of Uncertain Significance.

GeneDx
Classification: Uncertain significance. Last evaluated: 2017-02-28. Review status: criteria provided, single submitter. Criteria: GeneDx Variant Classification (06012015). Collection method: clinical testing. Allele origin: germline. Affected: yes.
Comment: The c.1389 G>A variant in the COL5A1 gene has not been reported previously as a pathogenic variant nor as a benign variant, to our knowledge. This splice site variant is predicted to damage or destroy the canonical splice donor site in intron 9, and is expected to cause abnormal gene splicing. However, in the absence of RNA/functional studies, the actual effect of this sequence change in this individual is unknown. The c.1389 G>A variant is not observed in large population cohorts (Lek et al., 2016; 1000 Genomes Consortium et al., 2015; Exome Variant Server). We interpret c.1389 G>A as a variant of uncertain significance.

Centre for Mendelian Genomics, University Medical Centre Ljubljana
Classification: Uncertain significance. Last evaluated: 2016-01-01. Review status: criteria provided, single submitter. Criteria: ACMG Guidelines, 2015. Collection method: clinical testing. Allele origin: unknown. Affected: yes.
Comment: This variant was classified as: Uncertain significance.

Centre for Mendelian Genomics, University Medical Centre Ljubljana
Classification: Uncertain significance for Cardiac arrhythmia; Arthralgia; Hyperextensible hand joints; Joint dislocation; Joint hypermobility; Wolff-Parkinson-White pattern. Last evaluated: 2016-06-12. Review status: no assertion criteria provided. Collection method: clinical testing. Allele origin: unknown. Affected: yes. Not counted in ClinVar's aggregate classification.

Literature cited by the submitters: PubMed 28914264 (cited by 3 submitters); PubMed 17576681 (cited by Labcorp Genetics (formerly Invitae), Labcorp); PubMed 9536098 (cited by Labcorp Genetics (formerly Invitae), Labcorp).

NM_000093.5(COL5A1):c.1389G>A (p.Pro463=)

Gene: COL5A1 (collagen type V alpha 1 chain; plus strand). Cytogenetic location: 9q34.3.
Variant type: single nucleotide variant.
Coding change: c.1389G>A on transcript NM_000093.5 (MANE Select); coding-DNA position 1389, G replaced by A.
Protein change: p.Pro463=; no amino-acid change (proline 463 retained).
Molecular consequence: synonymous variant.
Genome position (GRCh38, 1-based): chr9:134,732,127, G>A. VCF-style: chr9-134732127-G-A. GRCh37 (hg19) VCF-style: chr9-137623973-G-A.
Other names: p.Pro463=; c.1389G>A, p.Pro463= (NM_001278074.1).
Identifiers: ClinVar variation 373924 (VCV000373924.10), dbSNP rs1057518771, ClinGen allele CA16043439.
Genomic context (GRCh38, chr9:134,732,127, plus strand): 5'-CCAGATTGGAGGACCTCGGGGCGAGAAAGGCCAAAAGGGAGAACCAGCGATTATCGAGCC[G>A]GTGAGGACATTTTCTCATTCCCTCCCTGCGCCGGGGTGTCCGCTGCTCGGGGTCACAGCG-3'
Protein context (NP_000084.3, residues 453-473): GQKGEPAIIE[Pro463=]GMLIEGPPGP